The following is an entry in ClinVar:

NM_001349338.3(FOXP1):c.1189G>T (p.Glu397Ter)

Gene: FOXP1 (forkhead box P1; minus strand). Cytogenetic location: 3p13.
Variant type: single nucleotide variant.
Coding change: c.1189G>T on transcript NM_001349338.3 (MANE Select); coding-DNA position 1189, G replaced by T.
Protein change: p.Glu397Ter; replaces glutamic acid 397 with a stop codon.
Molecular consequence: nonsense. On other transcripts: non-coding transcript variant (2).
Genome position (GRCh38, 1-based): chr3:70,977,987, C>A on the plus strand (G>T on the coding strand, the complement: FOXP1 is on the minus strand). VCF-style: chr3-70977987-C-A. GRCh37 (hg19) VCF-style: chr3-71027138-C-A.
Other names: c.1189G>T, p.Glu397Ter (NM_001244808.3, NM_001244810.2, NM_001244814.3 and 3 more transcripts); c.961G>T, p.Glu321Ter (NM_001244812.3); c.889G>T, p.Glu297Ter (NM_001244813.3, NM_001244815.2, NM_001349342.3 and 1 more transcripts); c.886G>T, p.Glu296Ter (NM_001349337.2, NM_001349343.3, NM_001349344.3); c.1186G>T, p.Glu396Ter (NM_001349341.3); short protein forms E296*, E297*, E321*, E396*, E397*.
Identifiers: ClinVar variation 4856059 (VCV004856059.1).
Genomic context (GRCh38, chr3:70,977,987, plus strand): 5'-CGGGAGTCAGGGGGGCGGTTGGGGTCGTTGGAGTATGAGGTAAGCTCTGTGGAGAAGCCT[C>A]CGATGCGGACTTGGAGAGAGTGACACTTGATACCAGATTCAACTGCAAGGAAAAAAACAA-3'

ClinVar aggregate classification (germline): Likely pathogenic (1 of 4 stars; one submission).

Conditions:
Intellectual disability-severe speech delay-mild dysmorphism syndrome (IDDLA). Also called: Mental retardation with language impairment and autistic features; Intellectual developmental disorder with language impairment AND with or without autistic features; FOXP1 Syndrome. Identifiers: Orphanet 391372, MedGen C4013764, MONDO:0013352, OMIM 613670.

Submission:

3billion
Classification: Likely pathogenic for Intellectual disability-severe speech delay-mild dysmorphism syndrome. Last evaluated: 2025-08-20. Review status: criteria provided, single submitter. Criteria: ACMG Guidelines, 2015. Collection method: clinical testing. Allele origin: germline. Affected: yes.
Comment: The variant is not observed in the gnomAD v4.1.0 dataset. Predicted Consequence/Location: Stop-gained (nonsense): predicted to result in a loss or disruption of normal protein function through nonsense-mediated decay (NMD) or protein truncation. Multiple pathogenic variants are reported downstream of the variant. Therefore, this variant is classified as Likely pathogenic according to the recommendation of ACMG/AMP guideline.